The following is an entry in ClinVar:

NM_005101.4(ISG15):c.491G>A (p.Arg164Gln)

Gene: ISG15 (ISG15 ubiquitin like modifier; plus strand). Cytogenetic location: 1p36.33.
Variant type: single nucleotide variant.
Coding change: c.491G>A on transcript NM_005101.4 (MANE Select); coding-DNA position 491, G replaced by A.
Protein change: p.Arg164Gln; replaces arginine 164 with glutamine.
Molecular consequence: missense variant.
Genome position (GRCh38, 1-based): chr1:1,014,471, G>A. VCF-style: chr1-1014471-G-A. GRCh37 (hg19) VCF-style: chr1-949851-G-A.
Other names: short protein forms R164Q.
Identifiers: ClinVar variation 1017805 (VCV001017805.8), dbSNP rs140447219, ClinGen allele CA507734.

ClinVar aggregate classification (germline): Uncertain significance (1 of 4 stars; one submission).

Conditions:
Mendelian susceptibility to mycobacterial diseases due to complete ISG15 deficiency. Also called: IMMUNODEFICIENCY 38, MYCOBACTERIOSIS, AUTOSOMAL RECESSIVE; ISG15 DEFICIENCY, AUTOSOMAL RECESSIVE; Immunodeficiency 38 with basal ganglia calcification; Immunodeficiency 38. Identifiers: Orphanet 319563, MedGen C4015293, MONDO:0014502, OMIM 616126.

Allele frequency attached by ClinVar (database versions not stated): TOPMed 0.00001.
gnomAD v4.1: 26 of 1,600,870 alleles (0.0016%); highest among the groups gnomAD compares: South Asian, 0.0022%; no homozygotes.

Submission:

Labcorp Genetics (formerly Invitae), Labcorp
Classification: Uncertain significance for Mendelian susceptibility to mycobacterial diseases due to complete ISG15 deficiency. Last evaluated: 2024-02-24. Review status: criteria provided, single submitter. Criteria: Invitae Variant Classification Sherloc (09022015). Collection method: clinical testing. Allele origin: germline.
Comment: This sequence change replaces arginine, which is basic and polar, with glutamine, which is neutral and polar, at codon 164 of the ISG15 protein (p.Arg164Gln). This variant is present in population databases (rs140447219, gnomAD 0.007%). This variant has not been reported in the literature in individuals affected with ISG15-related conditions. ClinVar contains an entry for this variant (Variation ID: 1017805). Algorithms developed to predict the effect of missense changes on protein structure and function output the following: SIFT: "Not Available"; PolyPhen-2: "Benign"; Align-GVGD: "Not Available". The glutamine amino acid residue is found in multiple mammalian species, which suggests that this missense change does not adversely affect protein function. In summary, the available evidence is currently insufficient to determine the role of this variant in disease. Therefore, it has been classified as a Variant of Uncertain Significance.